The following is an entry in ClinVar:

ClinVar aggregate classification (germline): Uncertain significance (1 of 4 stars; one submission).

Conditions:
Hereditary cancer-predisposing syndrome. Also called: Neoplastic Syndromes, Hereditary; Tumor predisposition; Hereditary Cancer Syndrome; Hereditary neoplastic syndrome. Identifiers: Orphanet 140162, MedGen C0027672, MeSH D009386, MONDO:0015356.

Submission:

Ambry Genetics
Classification: Uncertain significance for Hereditary cancer-predisposing syndrome. Last evaluated: 2026-01-05. Review status: criteria provided, single submitter. Criteria: Ambry Variant Classification Scheme 2023. Collection method: clinical testing. Allele origin: germline.
Comment: The p.V1157A variant (also known as c.3470T>C), located in coding exon 16 of the MET gene, results from a T to C substitution at nucleotide position 3470. The valine at codon 1157 is replaced by alanine, an amino acid with similar properties. This amino acid position is conserved. In addition, this alteration is predicted to be deleterious by in silico analysis. Based on the available evidence, the clinical significance of this variant remains unclear.

NM_000245.4(MET):c.3416T>C (p.Val1139Ala)

Gene: MET (MET proto-oncogene, receptor tyrosine kinase; plus strand). Cytogenetic location: 7q31.2.
Variant type: single nucleotide variant.
Coding change: c.3416T>C on transcript NM_000245.4 (MANE Select); coding-DNA position 3416, T replaced by C.
Protein change: p.Val1139Ala; replaces valine 1139 with alanine.
Molecular consequence: missense variant.
Genome position (GRCh38, 1-based): chr7:116,778,851, T>C. VCF-style: chr7-116778851-T-C. GRCh37 (hg19) VCF-style: chr7-116418905-T-C.
Other names: c.3470T>C, p.Val1157Ala (NM_001127500.3); c.2126T>C, p.Val709Ala (NM_001324402.2); short protein forms V709A, V1139A, V1157A.
Identifiers: ClinVar variation 4843768 (VCV004843768.1).
Genomic context (GRCh38, chr7:116,778,851, plus strand): 5'-GAGAAGTTTCCCAATTTCTGACCGAGGGAATCATCATGAAAGATTTTAGTCATCCCAATG[T>C]CCTCTCGCTCCTGGGAATCTGCCTGCGAAGTGAAGGGTCTCCGCTGGTGGTCCTACCATA-3'
Protein context (NP_000236.2, residues 1129-1149): IIMKDFSHPN[Val1139Ala]LSLLGICLRS